The following is an entry in ClinVar:

NM_006073.4(TRDN):c.1881C>G (p.Asp627Glu)

Gene: TRDN (triadin; minus strand). Cytogenetic location: 6q22.31.
Variant type: single nucleotide variant.
Coding change: c.1881C>G on transcript NM_006073.4 (MANE Select); coding-DNA position 1881, C replaced by G.
Protein change: p.Asp627Glu; replaces aspartic acid 627 with glutamic acid.
Molecular consequence: missense variant.
Genome position (GRCh38, 1-based): chr6:123,255,892, G>C on the plus strand (C>G on the coding strand, the complement: TRDN is on the minus strand). VCF-style: chr6-123255892-G-C. GRCh37 (hg19) VCF-style: chr6-123577037-G-C.
Other names: short protein forms D627E.
Identifiers: ClinVar variation 1492486 (VCV001492486.8), dbSNP rs1776538992, ClinGen allele CA365562354.

ClinVar aggregate classification (germline): Uncertain significance (1 of 4 stars; one submission).

Conditions:
Catecholaminergic polymorphic ventricular tachycardia 1. Also called: VENTRICULAR TACHYCARDIA, CATECHOLAMINERGIC POLYMORPHIC, 1, WITH OR WITHOUT ATRIAL DYSFUNCTION AND/OR DILATED CARDIOMYOPATHY; VENTRICULAR TACHYCARDIA, STRESS-INDUCED POLYMORPHIC 1; RYR2-Related Catecholaminergic Polymorphic Ventricular Tachycardia. Identifiers: Orphanet 3286, MedGen C1631597, MONDO:0011484, OMIM 604772.

Allele frequency attached by ClinVar (database versions not stated): TOPMed below 0.00001.

Submission:

Labcorp Genetics (formerly Invitae), Labcorp
Classification: Uncertain significance for Catecholaminergic polymorphic ventricular tachycardia 1. Last evaluated: 2021-05-19. Review status: criteria provided, single submitter. Criteria: Invitae Variant Classification Sherloc (09022015). Collection method: clinical testing. Allele origin: germline.
Comment: In summary, the available evidence is currently insufficient to determine the role of this variant in disease. Therefore, it has been classified as a Variant of Uncertain Significance. Algorithms developed to predict the effect of missense changes on protein structure and function output the following: SIFT: "Tolerated"; PolyPhen-2: "Benign"; Align-GVGD: "Class C0". The glutamic acid amino acid residue is found in multiple mammalian species, suggesting that this missense change does not adversely affect protein function. These predictions have not been confirmed by published functional studies and their clinical significance is uncertain. This variant has not been reported in the literature in individuals with TRDN-related conditions. The frequency data for this variant in the population databases is considered unreliable, as metrics indicate insufficient coverage at this position in the ExAC database. This sequence change replaces aspartic acid with glutamic acid at codon 627 of the TRDN protein (p.Asp627Glu). The aspartic acid residue is weakly conserved and there is a small physicochemical difference between aspartic acid and glutamic acid.